The following is an entry in ClinVar:

NM_024747.6(HPS6):c.1779G>A (p.Pro593=)

Gene: HPS6 (HPS6 biogenesis of lysosomal organelles complex 2 subunit 3; plus strand). Cytogenetic location: 10q24.32.
Variant type: single nucleotide variant.
Coding change: c.1779G>A on transcript NM_024747.6 (MANE Select); coding-DNA position 1779, G replaced by A.
Protein change: p.Pro593=; no amino-acid change (proline 593 retained).
Molecular consequence: synonymous variant.
Genome position (GRCh38, 1-based): chr10:102,067,253, G>A. VCF-style: chr10-102067253-G-A. GRCh37 (hg19) VCF-style: chr10-103827010-G-A.
Identifiers: ClinVar variation 282222 (VCV000282222.23), dbSNP rs77529785, ClinGen allele CA5660034.

ClinVar aggregate classification (germline): Benign/Likely benign. Review status: criteria provided, multiple submitters, no conflicts (2 of 4 stars). 6 submissions from 6 submitters: Benign (2); Likely benign (3). 1 of the submissions does not count toward it. Last evaluated 2026-02-02.

Conditions:
HPS6-related disorder. Also called: HPS6-related condition.
Hermansky-Pudlak syndrome 6 (HPS6). Identifiers: Orphanet 231512, Orphanet 79430, MedGen C3888007, MONDO:0013558, OMIM 614075.

Allele frequency attached by ClinVar (database versions not stated): gnomAD exomes 0.00054; ExAC 0.00062; ESP Exome Variant Server 0.00196; 1000 Genomes Project 0.00200; gnomAD 0.00214 and 0.00228; TOPMed 0.00214; 1000 Genomes Project 30x 0.00219.

Submissions (6):

Labcorp Genetics (formerly Invitae), Labcorp
Classification: Benign. Last evaluated: 2026-02-02. Review status: criteria provided, single submitter. Criteria: Invitae Variant Classification Sherloc (09022015). Collection method: clinical testing. Allele origin: germline.

Blueprint Genetics
Classification: Likely benign. Last evaluated: 2024-10-17. Review status: criteria provided, single submitter. Criteria: ACMG Guidelines, 2015. Collection method: clinical testing. Allele origin: germline.

Illumina Laboratory Services, Illumina
Classification: Likely benign for Hermansky-Pudlak syndrome 6. Last evaluated: 2018-01-13. Review status: criteria provided, single submitter. Criteria: ICSL Variant Classification Criteria 13 December 2019. Collection method: clinical testing. Allele origin: germline.
Comment: This variant was observed in the ICSL laboratory as part of a predisposition screen in an ostensibly healthy population. It had not been previously curated by ICSL or reported in the Human Gene Mutation Database (HGMD: prior to June 1st, 2018), and was therefore a candidate for classification through an automated scoring system. Utilizing variant allele frequency, disease prevalence and penetrance estimates, and inheritance mode, an automated score was calculated to assess if this variant is too frequent to cause the disease. Based on the score and internal cut-off values, a variant classified as likely benign is not then subjected to further curation. The score for this variant resulted in a classification of likely benign for this disease.

Eurofins Ntd Llc (ga)
Classification: Benign. Last evaluated: 2015-09-11. Review status: criteria provided, single submitter. Criteria: EGL Classification Definitions 2015. Collection method: clinical testing. Allele origin: germline. Observed: 1 variant allele, 1 heterozygote.

Breakthrough Genomics
Classification: Likely benign. Review status: criteria provided, single submitter. Criteria: ACMG Guidelines, 2015. Collection method: not provided. Allele origin: germline. Inheritance: Autosomal recessive inheritance. Affected: yes.

PreventionGenetics, part of Exact Sciences
Classification: Likely benign for HPS6-related condition. Last evaluated: 2019-03-26. Review status: no assertion criteria provided. Collection method: clinical testing. Allele origin: germline. Not counted in ClinVar's aggregate classification.
Comment: This variant is classified as likely benign based on ACMG/AMP sequence variant interpretation guidelines (Richards et al. 2015 PMID: 25741868, with internal and published modifications).